The following is an entry in ClinVar:

ClinVar aggregate classification (germline): Uncertain significance. Review status: criteria provided, multiple submitters, no conflicts (2 of 4 stars). 2 submissions from 2 submitters: Uncertain significance (2). Last evaluated 2025-11-26.

Submissions (2):

Ambry Genetics
Classification: Uncertain significance. Last evaluated: 2025-11-26. Review status: criteria provided, single submitter. Criteria: Ambry Variant Classification Scheme 2023. Collection method: clinical testing. Allele origin: germline.

Labcorp Genetics (formerly Invitae), Labcorp
Classification: Uncertain significance. Last evaluated: 2025-08-26. Review status: criteria provided, single submitter. Criteria: Invitae Variant Classification Sherloc (09022015). Collection method: clinical testing. Allele origin: germline.
Comment: This sequence change replaces aspartic acid, which is acidic and polar, with tyrosine, which is neutral and polar, at codon 82 of the GINS1 protein (p.Asp82Tyr). This variant is not present in population databases (gnomAD no frequency). This variant has not been reported in the literature in individuals affected with GINS1-related conditions. ClinVar contains an entry for this variant (Variation ID: 2114433). An algorithm developed to predict the effect of missense changes on protein structure and function (PolyPhen-2) suggests that this variant is likely to be disruptive. In summary, the available evidence is currently insufficient to determine the role of this variant in disease. Therefore, it has been classified as a Variant of Uncertain Significance.

NM_021067.5(GINS1):c.244G>T (p.Asp82Tyr)

Gene: GINS1 (GINS complex subunit 1; plus strand). Cytogenetic location: 20p11.21.
Variant type: single nucleotide variant.
Coding change: c.244G>T on transcript NM_021067.5 (MANE Select); coding-DNA position 244, G replaced by T.
Protein change: p.Asp82Tyr; replaces aspartic acid 82 with tyrosine.
Molecular consequence: missense variant. On other transcripts: non-coding transcript variant (1).
Genome position (GRCh38, 1-based): chr20:25,418,109, G>T. VCF-style: chr20-25418109-G-T. GRCh37 (hg19) VCF-style: chr20-25398745-G-T.
Other names: c.244G>T (NM_021067.3); c.244G>T, p.Asp82Tyr (NM_001410830.1); short protein forms D82Y.
Identifiers: ClinVar variation 2114433 (VCV002114433.5), dbSNP rs1158698694, ClinGen allele CA408447953.